The following is an entry in ClinVar:

ClinVar aggregate classification (germline): Uncertain significance. Review status: criteria provided, multiple submitters, no conflicts (2 of 4 stars). 4 submissions from 4 submitters: Uncertain significance (4). Last evaluated 2025-10-29.

Conditions:
Autosomal dominant hypocalcemia 1 (HYPOC1). Also called: HYPOCALCEMIA, FAMILIAL. Identifiers: MedGen C3715128, MONDO:0011013, OMIM 601198.
Familial hypocalciuric hypercalcemia (FHH). Also called: Familial benign hypercalcemia. Identifiers: Orphanet 405, MedGen C1809471, MONDO:0018458.
Neonatal severe primary hyperparathyroidism. Identifiers: Orphanet 417, MedGen C1832615, MONDO:0009397, OMIM 239200.
Epilepsy, idiopathic generalized, susceptibility to, 8. Identifiers: MedGen C2752062, MONDO:0013032, OMIM 612899.
Familial hypocalciuric hypercalcemia 1. Also called: Hypercalcemia, familial benign type 1. Identifiers: Orphanet 405, Orphanet 93372, MedGen C0342637, MONDO:0007791, OMIM 145980.
Nephrolithiasis/nephrocalcinosis. Identifiers: MedGen CN580796.

Allele frequency attached by ClinVar (database versions not stated): gnomAD 0.00001; gnomAD exomes 0.00001 and 0.00002; TOPMed 0.00001.
gnomAD v4.1: 31 of 1,613,842 alleles (0.0019%); highest among the groups gnomAD compares: Non-Finnish European, 0.0025%; no homozygotes.

Submissions (4):

Women's Health and Genetics/Laboratory Corporation of America, LabCorp
Classification: Uncertain significance. Last evaluated: 2025-10-29. Review status: criteria provided, single submitter. Criteria: LabCorp Variant Classification Summary - May 2015. Collection method: clinical testing. Allele origin: germline.
Comment: Variant summary: CASR c.1283C>T (p.Ala428Val) results in a non-conservative amino acid change in the encoded protein sequence. Algorithms developed to predict the effect of missense changes on protein structure and function all suggest that this variant is likely to be disruptive. The variant allele was found at a frequency of 8e-06 in 251276 control chromosomes (gnomAD). The available data on variant occurrences in the general population are insufficient to allow any conclusion about variant significance. To our knowledge, no occurrence of c.1283C>T in individuals affected with CASR-related conditions and no experimental evidence demonstrating its impact on protein function have been reported. ClinVar contains an entry for this variant (Variation ID: 410360). Based on the evidence outlined above, the variant was classified as uncertain significance.

Labcorp Genetics (formerly Invitae), Labcorp
Classification: Uncertain significance for Familial hypocalciuric hypercalcemia; Autosomal dominant hypocalcemia 1. Last evaluated: 2024-09-04. Review status: criteria provided, single submitter. Criteria: Invitae Variant Classification Sherloc (09022015). Collection method: clinical testing. Allele origin: germline.
Comment: This sequence change replaces alanine, which is neutral and non-polar, with valine, which is neutral and non-polar, at codon 428 of the CASR protein (p.Ala428Val). This variant is present in population databases (no rsID available, gnomAD 0.007%). This variant has not been reported in the literature in individuals affected with CASR-related conditions. ClinVar contains an entry for this variant (Variation ID: 410360). An algorithm developed to predict the effect of missense changes on protein structure and function (PolyPhen-2) suggests that this variant is likely to be disruptive. In summary, the available evidence is currently insufficient to determine the role of this variant in disease. Therefore, it has been classified as a Variant of Uncertain Significance.

Ambry Genetics
Classification: Uncertain significance for Nephrolithiasis/nephrocalcinosis. Last evaluated: 2023-08-21. Review status: criteria provided, single submitter. Criteria: Ambry Variant Classification Scheme 2023. Collection method: clinical testing. Allele origin: germline.

Fulgent Genetics
Classification: Uncertain significance for Familial hypocalciuric hypercalcemia 1; Neonatal severe primary hyperparathyroidism; Autosomal dominant hypocalcemia 1; Epilepsy, idiopathic generalized, susceptibility to, 8. Last evaluated: 2021-10-15. Review status: criteria provided, single submitter. Criteria: ACMG Guidelines, 2015. Collection method: clinical testing. Allele origin: unknown.

NM_000388.4(CASR):c.1283C>T (p.Ala428Val)

Gene: CASR (calcium sensing receptor; plus strand). Cytogenetic location: 3q21.1.
Variant type: single nucleotide variant.
Coding change: c.1283C>T on transcript NM_000388.4 (MANE Select); coding-DNA position 1283, C replaced by T.
Protein change: p.Ala428Val; replaces alanine 428 with valine.
Molecular consequence: missense variant.
Genome position (GRCh38, 1-based): chr3:122,262,318, C>T. VCF-style: chr3-122262318-C-T. GRCh37 (hg19) VCF-style: chr3-121981165-C-T.
Other names: c.1283C>T, p.Ala428Val (NM_001178065.2); short protein forms A428V.
Identifiers: ClinVar variation 410360 (VCV000410360.13), dbSNP rs895543540, ClinGen allele CA16611300.